The following is an entry in ClinVar:

NM_000130.5(F5):c.3853C>A (p.Leu1285Ile)

Gene: F5 (coagulation factor V; minus strand). Cytogenetic location: 1q24.2.
Variant type: single nucleotide variant.
Coding change: c.3853C>A on transcript NM_000130.5 (MANE Select); coding-DNA position 3853, C replaced by A.
Protein change: p.Leu1285Ile; replaces leucine 1285 with isoleucine.
Molecular consequence: missense variant.
Genome position (GRCh38, 1-based): chr1:169,541,237, G>T on the plus strand (C>A on the coding strand, the complement: F5 is on the minus strand). VCF-style: chr1-169541237-G-T. GRCh37 (hg19) VCF-style: chr1-169510475-G-T.
Other names: short protein forms L1285I.
Identifiers: ClinVar variation 255205 (VCV000255205.15), dbSNP rs1046712, ClinGen allele CA1233808.

ClinVar aggregate classification (germline): Benign/Likely benign. Review status: criteria provided, multiple submitters, no conflicts (2 of 4 stars). 9 submissions from 7 submitters: Benign (7); Likely benign (1). 1 of the submissions does not count toward it. Last evaluated 2026-02-04.

Conditions:
Thrombophilia due to thrombin defect (THPH1). Also called: Thrombosis susceptibility; THROMBOPHILIA DUE TO FACTOR 2 DEFECT; Prothrombin-Related Thrombophilia (Factor II); Prothrombin Thrombophilia. Identifiers: MedGen C3160733, MONDO:0008559, OMIM 188050. Disease mechanism: gain of function, loss of function.
Congenital factor V deficiency. Also called: LABILE FACTOR DEFICIENCY; OWREN PARAHEMOPHILIA; PARAHEMOPHILIA; Hereditary factor V deficiency disease. Identifiers: Orphanet 326, MedGen C0015499, MONDO:0009210, OMIM 227400.
Budd-Chiari syndrome (BDCHS). Also called: Hepatic vein obstruction. Identifiers: Orphanet 131, MedGen C0856761, MONDO:0010947, OMIM 600880, HP:0002639.
Factor V deficiency. Also called: Reduced coagulation factor V activity. Identifiers: Orphanet 326, MedGen C4317320, MONDO:0020586, HP:0003225.

Allele frequency attached by ClinVar (database versions not stated): gnomAD 0.16155 and 0.16200; 1000 Genomes Project 0.16474; 1000 Genomes Project 30x 0.16818; gnomAD exomes 0.17383; ESP Exome Variant Server 0.17507; ExAC 0.17881.
gnomAD v4.1: 277,712 of 1,603,754 alleles (17%); highest among the groups gnomAD compares: South Asian, 20%; 24,165 homozygotes.

Submissions (9):

Labcorp Genetics (formerly Invitae), Labcorp
Classification: Benign for Congenital factor V deficiency. Last evaluated: 2026-02-04. Review status: criteria provided, single submitter. Criteria: Invitae Variant Classification Sherloc (09022015). Collection method: clinical testing. Allele origin: germline.

GeneDx
Classification: Benign. Last evaluated: 2018-11-11. Review status: criteria provided, single submitter. Criteria: GeneDx Variant Classification Process June 2021. Collection method: clinical testing. Allele origin: germline. Affected: yes.

Illumina Laboratory Services, Illumina
Classification: Benign for Budd-Chiari syndrome. Last evaluated: 2018-01-12. Review status: criteria provided, single submitter. Criteria: ICSL Variant Classification Criteria 13 December 2019. Collection method: clinical testing. Allele origin: germline.
Comment: This variant was observed in the ICSL laboratory as part of a predisposition screen in an ostensibly healthy population. It had not been previously curated by ICSL or reported in the Human Gene Mutation Database (HGMD: prior to June 1st, 2018), and was therefore a candidate for classification through an automated scoring system. Utilizing variant allele frequency, disease prevalence and penetrance estimates, and inheritance mode, an automated score was calculated to assess if this variant is too frequent to cause the disease. Based on the score and internal cut-off values, a variant classified as benign is not then subjected to further curation. The score for this variant resulted in a classification of benign for this disease.

Illumina Laboratory Services, Illumina
Classification: Benign for Venous thrombosis. Last evaluated: 2018-01-12. Review status: criteria provided, single submitter. Criteria: ICSL Variant Classification Criteria 13 December 2019. Collection method: clinical testing. Allele origin: germline.
Comment: the same text as in the submission from Illumina Laboratory Services, Illumina above.

Illumina Laboratory Services, Illumina
Classification: Benign for Congenital factor V deficiency. Last evaluated: 2018-01-12. Review status: criteria provided, single submitter. Criteria: ICSL Variant Classification Criteria 13 December 2019. Collection method: clinical testing. Allele origin: germline.
Comment: the same text as in the submission from Illumina Laboratory Services, Illumina above.

Mayo Clinic Laboratories, Mayo Clinic
Classification: Benign. Last evaluated: 2016-05-26. Review status: criteria provided, single submitter. Criteria: ACMG Guidelines, 2015. Collection method: clinical testing. Allele origin: germline. Observed: 56 variant alleles.

Breakthrough Genomics
Classification: Likely benign. Review status: criteria provided, single submitter. Criteria: ACMG Guidelines, 2015. Collection method: not provided. Allele origin: germline. Inheritance: Autosomal recessive inheritance. Affected: yes.

PreventionGenetics, part of Exact Sciences
Classification: Benign. Review status: criteria provided, single submitter. Criteria: ACMG Guidelines, 2015. Collection method: clinical testing. Allele origin: germline.

Department of Pathology and Laboratory Medicine, Sinai Health System
Classification: Uncertain significance. Review status: no assertion criteria provided. Collection method: clinical testing. Allele origin: unknown. Affected: yes. Study: The Canadian Open Genetics Repository (COGR). Not counted in ClinVar's aggregate classification.
Comment: multiple AR variants in same gene - keep for nowAllele frequency is common in at least one population database (frequency: 25.185% in gnomAD_ExomesFounderPop) based on the frequency threshold of 5.0% for this gene.Variant was observed in a homozygous state in population databases more than expected for disease.